The following is an entry in ClinVar:

ClinVar aggregate classification (germline): Uncertain significance (1 of 4 stars; one submission).

Conditions:
GRIK5-related disorder. Also called: GRIK5-related condition.

Submission:

PreventionGenetics, part of Exact Sciences
Classification: Uncertain significance for GRIK5-related condition. Last evaluated: 2026-07-29. Review status: criteria provided, single submitter. Criteria: ACMG Guidelines, 2015. Collection method: clinical testing. Allele origin: germline.
Comment: The GRIK5 c.1565G>A variant is predicted to result in the amino acid substitution p.Ser522Asn. To our knowledge, this variant has not been reported in the literature. This variant is reported in 0.0% of alleles in individuals of African descent in gnomAD. At this time, the clinical significance of this variant is uncertain due to the absence of conclusive functional and genetic evidence.

NM_002088.5(GRIK5):c.1565G>A (p.Ser522Asn)

Gene: GRIK5 (glutamate ionotropic receptor kainate type subunit 5; minus strand). Cytogenetic location: 19q13.2.
Variant type: single nucleotide variant.
Coding change: c.1565G>A on transcript NM_002088.5 (MANE Select); coding-DNA position 1565, G replaced by A.
Protein change: p.Ser522Asn; replaces serine 522 with asparagine.
Molecular consequence: missense variant.
Genome position (GRCh38, 1-based): chr19:42,022,263, C>T on the plus strand (G>A on the coding strand, the complement: GRIK5 is on the minus strand). VCF-style: chr19-42022263-C-T. GRCh37 (hg19) VCF-style: chr19-42526415-C-T.
Other names: c.1565G>A, p.Ser522Asn (NM_001301030.2); short protein forms S522N.
Identifiers: ClinVar variation 4991407 (VCV004991407.1).